The following is an entry in ClinVar:

NM_001673.5(ASNS):c.1030+6G>C

Genes: ASNS (asparagine synthetase (glutamine-hydrolyzing); minus strand), CZ1P-ASNS (CZ1P-ASNS readthrough; minus strand). Cytogenetic location: 7q21.3.
Variant type: single nucleotide variant.
Coding change: c.1030+6G>C on transcript NM_001673.5 (MANE Select); 6 bases into the intron after coding-DNA position 1030, G replaced by C.
Molecular consequence: intron variant.
Genome position (GRCh38, 1-based): chr7:97,856,684, C>G on the plus strand (G>C on the coding strand, the complement: ASNS is on the minus strand). VCF-style: chr7-97856684-C-G. GRCh37 (hg19) VCF-style: chr7-97485996-C-G.
Other names: c.1030+6G>C (NM_001352496.2, NM_183356.4, NM_133436.3); c.781+6G>C (NM_001178076.2, NM_001178077.1); c.967+6G>C (NM_001178075.2).
Identifiers: ClinVar variation 2140743 (VCV002140743.4), dbSNP rs758738963, ClinGen allele CA2578946989.

ClinVar aggregate classification (germline): Uncertain significance (1 of 4 stars; one submission).

gnomAD v4.1: 1 of 1,592,364 alleles (0.000063%); highest among the groups gnomAD compares: Non-Finnish European, 0.000085%; no homozygotes.

Submission:

Labcorp Genetics (formerly Invitae), Labcorp
Classification: Uncertain significance. Last evaluated: 2022-07-19. Review status: criteria provided, single submitter. Criteria: Invitae Variant Classification Sherloc (09022015). Collection method: clinical testing. Allele origin: germline.
Comment: In summary, the available evidence is currently insufficient to determine the role of this variant in disease. Therefore, it has been classified as a Variant of Uncertain Significance. Variants that disrupt the consensus splice site are a relatively common cause of aberrant splicing (PMID: 17576681, 9536098). Algorithms developed to predict the effect of sequence changes on RNA splicing suggest that this variant may disrupt the consensus splice site. This variant has not been reported in the literature in individuals affected with ASNS-related conditions. This variant is not present in population databases (gnomAD no frequency). This sequence change falls in intron 8 of the ASNS gene. It does not directly change the encoded amino acid sequence of the ASNS protein. It affects a nucleotide within the consensus splice site.

Literature cited by the submitters: PubMed 17576681; PubMed 9536098.